The following is an entry in ClinVar:

ClinVar aggregate classification (germline): Uncertain significance (1 of 4 stars; one submission).

Conditions:
Hereditary cancer-predisposing syndrome. Also called: Neoplastic Syndromes, Hereditary; Tumor predisposition; Hereditary Cancer Syndrome; Hereditary neoplastic syndrome. Identifiers: Orphanet 140162, MedGen C0027672, MeSH D009386, MONDO:0015356.

Submission:

Ambry Genetics
Classification: Uncertain significance for Hereditary cancer-predisposing syndrome. Last evaluated: 2025-08-12. Review status: criteria provided, single submitter. Criteria: Ambry Variant Classification Scheme 2023. Collection method: clinical testing. Allele origin: germline.
Comment: The p.W51G variant (also known as c.151T>G), located in coding exon 2 of the SMARCB1 gene, results from a T to G substitution at nucleotide position 151. The tryptophan at codon 51 is replaced by glycine, an amino acid with highly dissimilar properties. This amino acid position is conserved. In addition, this alteration is predicted to be deleterious by in silico analysis. Based on the available evidence, the clinical significance of this variant remains unclear.

NM_003073.5(SMARCB1):c.151T>G (p.Trp51Gly)

Gene: SMARCB1 (SWI/SNF related BAF chromatin remodeling complex subunit B1; plus strand). Cytogenetic location: 22q11.23.
Variant type: single nucleotide variant.
Coding change: c.151T>G on transcript NM_003073.5 (MANE Select); coding-DNA position 151, T replaced by G.
Protein change: p.Trp51Gly; replaces tryptophan 51 with glycine.
Molecular consequence: missense variant.
Genome position (GRCh38, 1-based): chr22:23,791,813, T>G. VCF-style: chr22-23791813-T-G. GRCh37 (hg19) VCF-style: chr22-24134000-T-G.
Other names: c.151T>G, p.Trp51Gly (NM_001007468.3, NM_001317946.2, NM_001362877.2); short protein forms W51G.
Identifiers: ClinVar variation 4170245 (VCV004170245.1).
Genomic context (GRCh38, chr22:23,791,813, plus strand): 5'-TAGGTGGGAAACTACCTCCGTATGTTCCGAGGTTCTCTGTACAAGAGATACCCCTCACTC[T>G]GGAGGCGACTAGCCACTGTGGAAGAGAGGAAGAAAATAGTTGCATCGTCACATGGTAAAA-3'
Protein context (NP_003064.2, residues 41-61): GSLYKRYPSL[Trp51Gly]RRLATVEERK